The following is an entry in ClinVar:

ClinVar aggregate classification (germline): Uncertain significance. Review status: criteria provided, multiple submitters, no conflicts (2 of 4 stars). 2 submissions from 2 submitters: Uncertain significance (2). Last evaluated 2024-11-11.

Conditions:
Smith-McCort dysplasia 2 (SMC2). Identifiers: MedGen C3714896, MONDO:0014087, OMIM 615222.

Allele frequency attached by ClinVar (database versions not stated): TOPMed 0.00007; ExAC 0.00008; gnomAD exomes 0.00008; gnomAD 0.00009.
gnomAD v4.1: 110 of 1,613,974 alleles (0.0068%); highest among the groups gnomAD compares: Non-Finnish European, 0.009%; no homozygotes.

Submissions (2):

Labcorp Genetics (formerly Invitae), Labcorp
Classification: Uncertain significance. Last evaluated: 2024-11-11. Review status: criteria provided, single submitter. Criteria: Invitae Variant Classification Sherloc (09022015). Collection method: clinical testing. Allele origin: germline.
Comment: This sequence change replaces asparagine, which is neutral and polar, with lysine, which is basic and polar, at codon 139 of the RAB33B protein (p.Asn139Lys). This variant is present in population databases (rs200448316, gnomAD 0.02%). This variant has not been reported in the literature in individuals affected with RAB33B-related conditions. ClinVar contains an entry for this variant (Variation ID: 347565). An algorithm developed to predict the effect of missense changes on protein structure and function (PolyPhen-2) suggests that this variant¬†is likely to be tolerated. In summary, the available evidence is currently insufficient to determine the role of this variant in disease. Therefore, it has been classified as a Variant of Uncertain Significance.

Illumina Laboratory Services, Illumina
Classification: Uncertain significance for Smith-McCort dysplasia 2. Last evaluated: 2018-01-12. Review status: criteria provided, single submitter. Criteria: ICSL Variant Classification Criteria 13 December 2019. Collection method: clinical testing. Allele origin: germline.

NM_031296.3(RAB33B):c.417T>G (p.Asn139Lys)

Gene: RAB33B (RAB33B, member RAS oncogene family; plus strand). Cytogenetic location: 4q31.1.
Variant type: single nucleotide variant.
Coding change: c.417T>G on transcript NM_031296.3 (MANE Select); coding-DNA position 417, T replaced by G.
Protein change: p.Asn139Lys; replaces asparagine 139 with lysine.
Molecular consequence: missense variant.
Genome position (GRCh38, 1-based): chr4:139,472,853, T>G. VCF-style: chr4-139472853-T-G. GRCh37 (hg19) VCF-style: chr4-140394007-T-G.
Other names: short protein forms N139K.
Identifiers: ClinVar variation 347565 (VCV000347565.11), dbSNP rs200448316, ClinGen allele CA3084015.